The following is an entry in ClinVar:

ClinVar aggregate classification (germline): Uncertain significance (1 of 4 stars; one submission).

Conditions:
Wilms tumor 1 (WT1). Also called: Wilms tumor, somatic. Identifiers: Orphanet 654, MedGen CN033288, MONDO:0008679, OMIM 194070.

Allele frequency attached by ClinVar (database versions not stated): TOPMed 0.00001.

Submission:

Labcorp Genetics (formerly Invitae), Labcorp
Classification: Uncertain significance for Wilms tumor 1. Last evaluated: 2022-01-13. Review status: criteria provided, single submitter. Criteria: Invitae Variant Classification Sherloc (09022015). Collection method: clinical testing. Allele origin: germline.
Comment: This sequence change replaces proline, which is neutral and non-polar, with leucine, which is neutral and non-polar, at codon 28 of the GPC3 protein (p.Pro28Leu). This variant is not present in population databases (gnomAD no frequency). In summary, the available evidence is currently insufficient to determine the role of this variant in disease. Therefore, it has been classified as a Variant of Uncertain Significance. Algorithms developed to predict the effect of missense changes on protein structure and function are either unavailable or do not agree on the potential impact of this missense change (SIFT: "Tolerated"; PolyPhen-2: "Probably Damaging"; Align-GVGD: "Class C0"). This variant has not been reported in the literature in individuals affected with GPC3-related conditions.

NM_004484.4(GPC3):c.83C>T (p.Pro28Leu)

Gene: GPC3 (glypican 3; minus strand). Cytogenetic location: Xq26.2.
Variant type: single nucleotide variant.
Coding change: c.83C>T on transcript NM_004484.4 (MANE Select); coding-DNA position 83, C replaced by T.
Protein change: p.Pro28Leu; replaces proline 28 with leucine.
Molecular consequence: missense variant.
Genome position (GRCh38, 1-based): chrX:133,985,367, G>A on the plus strand (C>T on the coding strand, the complement: GPC3 is on the minus strand). VCF-style: chrX-133985367-G-A. GRCh37 (hg19) VCF-style: chrX-133119394-G-A.
Other names: c.83C>T, p.Pro28Leu (NM_001164617.2, NM_001164618.2, NM_001164619.2); short protein forms P28L.
Identifiers: ClinVar variation 2081473 (VCV002081473.4), dbSNP rs2076563370, ClinGen allele CA414707073.